The following is an entry in ClinVar:

NM_178161.3(PTF1A):c.201C>T (p.Cys67=)

Gene: PTF1A (pancreas associated transcription factor 1a; plus strand). Cytogenetic location: 10p12.2.
Variant type: single nucleotide variant.
Coding change: c.201C>T on transcript NM_178161.3 (MANE Select); coding-DNA position 201, C replaced by T.
Protein change: p.Cys67=; no amino-acid change (cysteine 67 retained).
Molecular consequence: synonymous variant.
Genome position (GRCh38, 1-based): chr10:23,192,731, C>T. VCF-style: chr10-23192731-C-T. GRCh37 (hg19) VCF-style: chr10-23481660-C-T.
Identifiers: ClinVar variation 880488 (VCV000880488.18), dbSNP rs539214102, ClinGen allele CA5438589.

ClinVar aggregate classification (germline): Conflicting classifications of pathogenicity. Review status: criteria provided, conflicting classifications (1 of 4 stars). 3 submissions from 3 submitters: Uncertain significance (1); Likely benign (2). Last evaluated 2025-06-01.

Conditions:
Permanent neonatal diabetes mellitus-pancreatic and cerebellar agenesis syndrome. Also called: PANCREATIC AND CEREBELLAR AGENESIS. Identifiers: Orphanet 65288, MedGen C1836780, MONDO:0012192, OMIM 609069.

Allele frequency attached by ClinVar (database versions not stated): gnomAD below 0.00001 and 0.00002; TOPMed below 0.00001; gnomAD exomes 0.00013; 1000 Genomes Project 30x 0.00016; 1000 Genomes Project 0.00020; ExAC 0.00021.
gnomAD v4.1: 78 of 1,512,648 alleles (0.0052%); highest among the groups gnomAD compares: South Asian, 0.091%; 1 homozygote.

Submissions (3):

CeGaT Center for Human Genetics Tuebingen
Classification: Likely benign. Last evaluated: 2025-06-01. Review status: criteria provided, single submitter. Criteria: CeGaT Center For Human Genetics Tuebingen Variant Classification Criteria Version 2. Collection method: clinical testing. Allele origin: germline. Affected: yes. Observed: 2 variant alleles.
Comment: PTF1A: BP4, BP7

Labcorp Genetics (formerly Invitae), Labcorp
Classification: Likely benign. Last evaluated: 2022-05-19. Review status: criteria provided, single submitter. Criteria: Invitae Variant Classification Sherloc (09022015). Collection method: clinical testing. Allele origin: germline.

Illumina Laboratory Services, Illumina
Classification: Uncertain significance for Permanent neonatal diabetes mellitus-pancreatic and cerebellar agenesis syndrome. Last evaluated: 2018-01-12. Review status: criteria provided, single submitter. Criteria: ICSL Variant Classification Criteria 13 December 2019. Collection method: clinical testing. Allele origin: germline.